The following is an entry in ClinVar:

ClinVar aggregate classification (germline): Conflicting classifications of pathogenicity. Review status: criteria provided, conflicting classifications (1 of 4 stars). 3 submissions from 3 submitters: Likely pathogenic (2); Uncertain significance (1). Last evaluated 2025-12-18.

Conditions:
Inborn genetic diseases. Identifiers: MedGen C0950123, MeSH D030342.
Congenital contractures of the limbs and face, hypotonia, and developmental delay (CLIFAHDD). Identifiers: Orphanet 562528, MedGen C4225398, MONDO:0014556, OMIM 616266.

Submissions (3):

Equipe Genetique des Anomalies du Developpement, Université de Bourgogne
Classification: Likely pathogenic for Congenital contractures of the limbs and face, hypotonia, and developmental delay. Last evaluated: 2025-12-18. Review status: criteria provided, single submitter. Criteria: ACMG Guidelines, 2015. Collection method: clinical testing. Allele origin: de novo. Affected: yes.

GeneDx
Classification: Likely pathogenic. Last evaluated: 2023-12-14. Review status: criteria provided, single submitter. Criteria: GeneDx Variant Classification Process June 2021. Collection method: clinical testing. Allele origin: germline. Affected: yes.
Comment: Not observed at significant frequency in large population cohorts (gnomAD); In silico analysis supports that this missense variant has a deleterious effect on protein structure/function; This variant is associated with the following publications: (PMID: Borovikov2019[CaseReport], 34645488, 28600779)

Ambry Genetics
Classification: Uncertain significance for Inborn genetic diseases. Last evaluated: 2017-11-30. Review status: criteria provided, single submitter. Criteria: Ambry exome assertion method (8-5-2015). Collection method: clinical testing. Allele origin: germline. Affected: yes. Observed: 1 variant allele.

NM_052867.4(NALCN):c.4355T>C (p.Leu1452Ser)

Gene: NALCN (sodium leak channel, non-selective; minus strand). Cytogenetic location: 13q32.3.
Variant type: single nucleotide variant.
Coding change: c.4355T>C on transcript NM_052867.4 (MANE Select); coding-DNA position 4355, T replaced by C.
Protein change: p.Leu1452Ser; replaces leucine 1452 with serine.
Molecular consequence: missense variant.
Genome position (GRCh38, 1-based): chr13:101,068,009, A>G on the plus strand (T>C on the coding strand, the complement: NALCN is on the minus strand). VCF-style: chr13-101068009-A-G. GRCh37 (hg19) VCF-style: chr13-101720361-A-G.
Other names: c.4442T>C, p.Leu1481Ser (NM_001350748.2); c.4355T>C, p.Leu1452Ser (NM_001350749.2); c.4268T>C, p.Leu1423Ser (NM_001350750.2, NM_001350751.2); short protein forms L1423S, L1452S, L1481S.
Identifiers: ClinVar variation 985728 (VCV000985728.5), dbSNP rs2032560672, ClinGen allele CA388646676.